The following is an entry in ClinVar:

ClinVar aggregate classification (germline): Uncertain significance (1 of 4 stars; one submission).

Conditions:
Peroxisome biogenesis disorder 7A (Zellweger). Also called: Peroxisome biogenesis disorder 7A. Identifiers: Orphanet 912, MedGen C3888385, MONDO:0013938, OMIM 614872.
Peroxisome biogenesis disorder 7B (PBD7B). Identifiers: Orphanet 44, MedGen C3553951, MONDO:0013939, OMIM 614873.

Allele frequency attached by ClinVar (database versions not stated): gnomAD exomes below 0.00001.
gnomAD v4.1: 6 of 1,614,076 alleles (0.00037%); highest among the groups gnomAD compares: African/African-American, 0.0027%; no homozygotes.

Submission:

Labcorp Genetics (formerly Invitae), Labcorp
Classification: Uncertain significance for Peroxisome biogenesis disorder 7A (Zellweger); Peroxisome biogenesis disorder 7B. Last evaluated: 2022-03-01. Review status: criteria provided, single submitter. Criteria: Invitae Variant Classification Sherloc (09022015). Collection method: clinical testing. Allele origin: germline.
Comment: This sequence change replaces glutamine, which is neutral and polar, with arginine, which is basic and polar, at codon 165 of the PEX26 protein (p.Gln165Arg). This variant is not present in population databases (gnomAD no frequency). This variant has not been reported in the literature in individuals affected with PEX26-related conditions. Algorithms developed to predict the effect of missense changes on protein structure and function output the following: SIFT: "Deleterious"; PolyPhen-2: "Benign"; Align-GVGD: "Class C0". The arginine amino acid residue is found in multiple mammalian species, which suggests that this missense change does not adversely affect protein function. In summary, the available evidence is currently insufficient to determine the role of this variant in disease. Therefore, it has been classified as a Variant of Uncertain Significance.

NM_001127649.3(PEX26):c.494A>G (p.Gln165Arg)

Gene: PEX26 (peroxisomal biogenesis factor 26; plus strand). Cytogenetic location: 22q11.21.
Variant type: single nucleotide variant.
Coding change: c.494A>G on transcript NM_001127649.3 (MANE Select); coding-DNA position 494, A replaced by G.
Protein change: p.Gln165Arg; replaces glutamine 165 with arginine.
Molecular consequence: missense variant.
Genome position (GRCh38, 1-based): chr22:18,083,559, A>G. VCF-style: chr22-18083559-A-G. GRCh37 (hg19) VCF-style: chr22-18566325-A-G.
Other names: c.494A>G, p.Gln165Arg (NM_001199319.2, NM_017929.6); short protein forms Q165R.
Identifiers: ClinVar variation 1931535 (VCV001931535.2), dbSNP rs556096413, ClinGen allele CA321288601.